The following is an entry in ClinVar:

NM_003128.3(SPTBN1):c.3260C>T (p.Ser1087Leu)

Gene: SPTBN1 (spectrin beta, non-erythrocytic 1; plus strand). Cytogenetic location: 2p16.2.
Variant type: single nucleotide variant.
Coding change: c.3260C>T on transcript NM_003128.3 (MANE Select); coding-DNA position 3260, C replaced by T.
Protein change: p.Ser1087Leu; replaces serine 1087 with leucine.
Molecular consequence: missense variant.
Genome position (GRCh38, 1-based): chr2:54,631,307, C>T. VCF-style: chr2-54631307-C-T. GRCh37 (hg19) VCF-style: chr2-54858444-C-T.
Other names: c.3221C>T, p.Ser1074Leu (NM_178313.3); short protein forms S1074L, S1087L.
Identifiers: ClinVar variation 3254915 (VCV003254915.1), dbSNP rs2549529929.

ClinVar aggregate classification (germline): Uncertain significance (1 of 4 stars; one submission).

Conditions:
Developmental delay, impaired speech, and behavioral abnormalities. Identifiers: MedGen C5561957, MONDO:0859178, OMIM 619475.

Submission:

Victorian Clinical Genetics Services, Murdoch Childrens Research Institute
Classification: Uncertain significance for Developmental delay, impaired speech, and behavioral abnormalities. Last evaluated: 2023-07-17. Review status: criteria provided, single submitter. Criteria: ACMG Guidelines, 2015. Collection method: clinical testing. Allele origin: germline. Inheritance: Autosomal dominant inheritance. Affected: yes.
Comment: Based on the classification scheme VCGS_Germline_v1.3.4, this variant is classified as VUS-3B. Following criteria are met: 0102 - Loss of function is a known mechanism of disease in this gene and is associated with developmental delay, impaired speech, and behavioral abnormalities (MIM#619475). (I) 0107 - This gene is associated with autosomal dominant disease. (I) 0200 - Variant is predicted to result in a missense amino acid change from serine to leucine. (I) 0251 - This variant is heterozygous. (I) 0301 - Variant is absent from gnomAD (both v2 and v3). (SP) 0501 - Missense variant consistently predicted to be damaging by multiple in silico tools or highly conserved with a major amino acid change. (SP) 0600 - Variant is located in the annotated spectrin domain (DECIPHER). (I) 0705 - No comparable missense variants have previous evidence for pathogenicity. (I) 0807 - This variant has no previous evidence of pathogenicity. (I) 0905 - No published segregation evidence has been identified for this variant. (I) 1007 - No published functional evidence has been identified for this variant. (I) 1208 - Inheritance information for this variant is not currently available in this individual. (I) Legend: (SP) - Supporting pathogenic, (I) - Information, (SB) - Supporting benign